The following is an entry in ClinVar:

ClinVar aggregate classification (germline): Uncertain significance (1 of 4 stars; one submission).

Submission:

ISCA site 14
Classification: Uncertain significance. Last evaluated: 2011-08-12. Review status: criteria provided, single submitter. Criteria: Kaminsky et al. (Genet Med. 2011). Collection method: clinical testing. Allele origin: unknown. Affected: yes. Observed: 1 variant allele.
Comment: Copy number variation identified through the course of routine clinical cytogenomic testing in postnatal populations. Clinical assertions have been curated as described in Kaminsky et al. 2011.

GRCh38/hg38 9q34.3(chr9:137092629-137375788)x1

Genes: ANAPC2 (anaphase promoting complex subunit 2; minus strand), CIMIP2A (ciliary microtubule inner protein 2A; minus strand), CYSRT1 (cysteine rich tail 1; plus strand), DPP7 (dipeptidyl peptidase 7; minus strand), EXD3 (exonuclease 3'-5' domain containing 3; minus strand) and 57 more. Cytogenetic location: 9q34.3.
Variant type: copy number loss.
Change: copy number 1 (one copy instead of two) of chr9:137,092,629-137,375,788 (283.2 kb, GRCh38 coordinates, 1-based), cytogenetic band 9q34.3.
Identifiers: ClinVar variation 59090 (VCV000059090.1).